The following is an entry in ClinVar:

ClinVar aggregate classification (germline): Uncertain significance. Review status: criteria provided, multiple submitters, no conflicts (2 of 4 stars). 2 submissions from 2 submitters: Uncertain significance (2). Last evaluated 2025-10-26.

Conditions:
Hereditary cancer-predisposing syndrome. Also called: Tumor predisposition; Hereditary Cancer Syndrome; Neoplastic Syndromes, Hereditary; Hereditary neoplastic syndrome. Identifiers: Orphanet 140162, MedGen C0027672, MeSH D009386, MONDO:0015356.
Fanconi anemia (FA). Also called: Fanconi's anemia. Identifiers: Orphanet 84, MedGen C0015625, MeSH D005199, MONDO:0019391.

Submissions (2):

Ambry Genetics
Classification: Uncertain significance for Hereditary cancer-predisposing syndrome. Last evaluated: 2025-10-26. Review status: criteria provided, single submitter. Criteria: Ambry Variant Classification Scheme 2023. Collection method: clinical testing. Allele origin: germline.
Comment: The p.G307R variant (also known as c.919G>A), located in coding exon 9 of the FANCC gene, results from a G to A substitution at nucleotide position 919. The glycine at codon 307 is replaced by arginine, an amino acid with dissimilar properties. This amino acid position is highly conserved in available vertebrate species. In addition, this alteration is predicted to be deleterious by in silico analysis. Since supporting evidence is limited at this time, the clinical significance of this alteration remains unclear.

Labcorp Genetics (formerly Invitae), Labcorp
Classification: Uncertain significance for Fanconi anemia. Last evaluated: 2024-07-06. Review status: criteria provided, single submitter. Criteria: Invitae Variant Classification Sherloc (09022015). Collection method: clinical testing. Allele origin: germline.
Comment: This sequence change replaces glycine, which is neutral and non-polar, with arginine, which is basic and polar, at codon 307 of the FANCC protein (p.Gly307Arg). This variant is not present in population databases (gnomAD no frequency). This variant has not been reported in the literature in individuals affected with FANCC-related conditions. ClinVar contains an entry for this variant (Variation ID: 823088). Advanced modeling of protein sequence and biophysical properties (such as structural, functional, and spatial information, amino acid conservation, physicochemical variation, residue mobility, and thermodynamic stability) performed at Invitae indicates that this missense variant is expected to disrupt FANCC protein function with a positive predictive value of 80%. In summary, the available evidence is currently insufficient to determine the role of this variant in disease. Therefore, it has been classified as a Variant of Uncertain Significance.

NM_000136.3(FANCC):c.919G>A (p.Gly307Arg)

Genes: AOPEP (aminopeptidase O (putative); plus strand), FANCC (FA complementation group C; minus strand). Cytogenetic location: 9q22.32.
Variant type: single nucleotide variant.
Coding change: c.919G>A on transcript NM_000136.3 (MANE Select); coding-DNA position 919, G replaced by A.
Protein change: p.Gly307Arg; replaces glycine 307 with arginine.
Molecular consequence: missense variant.
Genome position (GRCh38, 1-based): chr9:95,125,163, C>T on the plus strand (G>A on the coding strand, the complement: FANCC is on the minus strand). VCF-style: chr9-95125163-C-T. GRCh37 (hg19) VCF-style: chr9-97887445-C-T.
Other names: c.919G>A, p.Gly307Arg (NM_001243743.2, NM_001243744.2); short protein forms G307R.
Identifiers: ClinVar variation 823088 (VCV000823088.7), dbSNP rs1588100912, ClinGen allele CA374108990.